The following is an entry in ClinVar:

NM_002382.5(MAX):c.388A>G (p.Thr130Ala)

Gene: MAX (MYC associated transcriptional regulator X; minus strand). Cytogenetic location: 14q23.3.
Variant type: single nucleotide variant.
Coding change: c.388A>G on transcript NM_002382.5 (MANE Select); coding-DNA position 388, A replaced by G.
Protein change: p.Thr130Ala; replaces threonine 130 with alanine.
Molecular consequence: missense variant. On other transcripts: 3 prime UTR variant (1), intron variant (2).
Genome position (GRCh38, 1-based): chr14:65,076,571, T>C on the plus strand (A>G on the coding strand, the complement: MAX is on the minus strand). VCF-style: chr14-65076571-T-C. GRCh37 (hg19) VCF-style: chr14-65543289-T-C.
Other names: c.199A>G, p.Thr67Ala (NM_001320415.2, NM_001407105.1, NM_001407106.1 and 1 more transcripts); c.388A>G, p.Thr130Ala (NM_001407094.1); c.361A>G, p.Thr121Ala (NM_001407095.1, NM_145112.3); c.*161A>G (NM_001407096.1, NM_001407099.1, NM_001407102.1 and 2 more transcripts); c.*177A>G (NM_001407097.1, NM_001407100.1, NM_001407101.1 and 4 more transcripts); c.280A>G, p.Thr94Ala (NM_001407098.1); c.187A>G, p.Thr63Ala (NM_001407111.1, NM_001407112.1); c.144+17137A>G (NM_001271069.2); and 1 more; short protein forms T130A, T121A, T67A, T63A, T94A.
Identifiers: ClinVar variation 568824 (VCV000568824.11), dbSNP rs1566598180, ClinGen allele CA390031640.

ClinVar aggregate classification (germline): Uncertain significance. Review status: criteria provided, multiple submitters, no conflicts (2 of 4 stars). 2 submissions from 2 submitters: Uncertain significance (2). Last evaluated 2025-11-22.

Conditions:
Hereditary pheochromocytoma and paraganglioma. Also called: Hereditary Paraganglioma-Pheochromocytoma Syndromes; Hereditary paragangliomas and pheochromocytomas; Hereditary pheochromocytoma-paraganglioma. Identifiers: Orphanet 29072, MedGen C4274332, MONDO:0017366.
Hereditary cancer-predisposing syndrome. Also called: Neoplastic Syndromes, Hereditary; Hereditary Cancer Syndrome; Tumor predisposition; Hereditary neoplastic syndrome. Identifiers: Orphanet 140162, MedGen C0027672, MeSH D009386, MONDO:0015356.

Submissions (2):

Ambry Genetics
Classification: Uncertain significance for Hereditary cancer-predisposing syndrome. Last evaluated: 2025-11-22. Review status: criteria provided, single submitter. Criteria: Ambry Variant Classification Scheme 2023. Collection method: clinical testing. Allele origin: germline.
Comment: The p.T130A variant (also known as c.388A>G), located in coding exon 5 of the MAX gene, results from an A to G substitution at nucleotide position 388. The threonine at codon 130 is replaced by alanine, an amino acid with similar properties. This amino acid position is conserved. In addition, this alteration is predicted to be tolerated by in silico analysis. Since supporting evidence is limited at this time, the clinical significance of this alteration remains unclear.

Labcorp Genetics (formerly Invitae), Labcorp
Classification: Uncertain significance for Hereditary pheochromocytoma and paraganglioma. Last evaluated: 2018-05-30. Review status: criteria provided, single submitter. Criteria: Invitae Variant Classification Sherloc (09022015). Collection method: clinical testing. Allele origin: germline.
Comment: In summary, the available evidence is currently insufficient to determine the role of this variant in disease. Therefore, it has been classified as a Variant of Uncertain Significance. Algorithms developed to predict the effect of missense changes on protein structure and function output the following: SIFT: "Tolerated"; PolyPhen-2: "Benign"; Align-GVGD: "Class C0". The alanine amino acid residue is found in multiple mammalian species, suggesting that this missense change does not adversely affect protein function. These predictions have not been confirmed by published functional studies and their clinical significance is uncertain. This variant has not been reported in the literature in individuals with MAX-related disease. This variant is not present in population databases (ExAC no frequency). This sequence change replaces threonine with alanine at codon 130 of the MAX protein (p.Thr130Ala). The threonine residue is weakly conserved and there is a small physicochemical difference between threonine and alanine.